The following is an entry in ClinVar:

ClinVar aggregate classification (germline): Uncertain significance (1 of 4 stars; one submission).

Submission:

Labcorp Genetics (formerly Invitae), Labcorp
Classification: Uncertain significance. Last evaluated: 2023-02-22. Review status: criteria provided, single submitter. Criteria: Invitae Variant Classification Sherloc (09022015). Collection method: clinical testing. Allele origin: germline.
Comment: Advanced modeling of protein sequence and biophysical properties (such as structural, functional, and spatial information, amino acid conservation, physicochemical variation, residue mobility, and thermodynamic stability) performed at Invitae indicates that this missense variant is not expected to disrupt PITPNM3 protein function. In summary, the available evidence is currently insufficient to determine the role of this variant in disease. Therefore, it has been classified as a Variant of Uncertain Significance. ClinVar contains an entry for this variant (Variation ID: 1713792). This variant has not been reported in the literature in individuals affected with PITPNM3-related conditions. This variant is not present in population databases (gnomAD no frequency). This sequence change replaces proline, which is neutral and non-polar, with leucine, which is neutral and non-polar, at codon 864 of the PITPNM3 protein (p.Pro864Leu).

NM_031220.4(PITPNM3):c.2591C>T (p.Pro864Leu)

Gene: PITPNM3 (PITPNM family member 3; minus strand). Cytogenetic location: 17p13.2.
Variant type: single nucleotide variant.
Coding change: c.2591C>T on transcript NM_031220.4 (MANE Select); coding-DNA position 2591, C replaced by T.
Protein change: p.Pro864Leu; replaces proline 864 with leucine.
Molecular consequence: missense variant.
Genome position (GRCh38, 1-based): chr17:6,457,622, G>A on the plus strand (C>T on the coding strand, the complement: PITPNM3 is on the minus strand). VCF-style: chr17-6457622-G-A. GRCh37 (hg19) VCF-style: chr17-6360942-G-A.
Other names: c.2483C>T, p.Pro828Leu (NM_001165966.2); short protein forms P828L, P864L.
Identifiers: ClinVar variation 1713792 (VCV001713792.5), dbSNP rs2543968732, ClinGen allele CA397401385.